The following is an entry in ClinVar:

NM_004586.3(RPS6KA3):c.1242C>T (p.Asn414=)

Gene: RPS6KA3 (ribosomal protein S6 kinase A3; minus strand). Cytogenetic location: Xp22.12.
Variant type: single nucleotide variant.
Coding change: c.1242C>T on transcript NM_004586.3 (MANE Select); coding-DNA position 1242, C replaced by T.
Protein change: p.Asn414=; no amino-acid change (asparagine 414 retained).
Molecular consequence: synonymous variant.
Genome position (GRCh38, 1-based): chrX:20,172,857, G>A on the plus strand (C>T on the coding strand, the complement: RPS6KA3 is on the minus strand). VCF-style: chrX-20172857-G-A. GRCh37 (hg19) VCF-style: chrX-20190975-G-A.
Identifiers: ClinVar variation 436558 (VCV000436558.54), dbSNP rs142680221, ClinGen allele CA10366138.

ClinVar aggregate classification (germline): Benign/Likely benign. Review status: criteria provided, multiple submitters, no conflicts (2 of 4 stars). 4 submissions from 4 submitters: Benign (1); Likely benign (2). 1 of the submissions does not count toward it. Last evaluated 2026-01-09.

Conditions:
RPS6KA3-related disorder. Also called: RPS6KA3-related condition.
Inborn genetic diseases. Identifiers: MedGen C0950123, MeSH D030342.
Coffin-Lowry syndrome (CLS). Also called: COFFIN-LOWRY SYNDROME, MILD; Mental retardation with osteocartilaginous abnormalities. Identifiers: Orphanet 192, MedGen C0265252, MONDO:0010561, OMIM 303600.
Intellectual developmental disorder, X-linked 19. Also called: Intellectual disability, X-linked 19. Identifiers: Orphanet 777, MedGen C0796225, MONDO:0010447, OMIM 300844.

Allele frequency attached by ClinVar (database versions not stated): gnomAD 0.00005; gnomAD exomes 0.00007 and 0.00015; TOPMed 0.00008; ExAC 0.00010; ESP Exome Variant Server 0.00019.
gnomAD v4.1: 162 of 1,204,571 alleles (0.013%); highest among the groups gnomAD compares: Non-Finnish European, 0.017%; no homozygotes.

Submissions (4):

Labcorp Genetics (formerly Invitae), Labcorp
Classification: Benign for Coffin-Lowry syndrome; Intellectual developmental disorder, X-linked 19. Last evaluated: 2026-01-09. Review status: criteria provided, single submitter. Criteria: Invitae Variant Classification Sherloc (09022015). Collection method: clinical testing. Allele origin: germline.

Genetic Services Laboratory, University of Chicago
Classification: Likely benign. Last evaluated: 2016-03-22. Review status: criteria provided, single submitter. Criteria: ACMG Guidelines, 2015. Collection method: clinical testing. Allele origin: germline. Affected: no.

Ambry Genetics
Classification: Likely benign for Inborn genetic diseases. Last evaluated: 2015-06-20. Review status: criteria provided, single submitter. Criteria: Ambry Variant Classification Scheme 2023. Collection method: clinical testing. Allele origin: germline.

PreventionGenetics, part of Exact Sciences
Classification: Likely benign for RPS6KA3-related condition. Last evaluated: 2021-08-11. Review status: no assertion criteria provided. Collection method: clinical testing. Allele origin: germline. Not counted in ClinVar's aggregate classification.
Comment: This variant is classified as likely benign based on ACMG/AMP sequence variant interpretation guidelines (Richards et al. 2015 PMID: 25741868, with internal and published modifications).